The following is an entry in ClinVar:

NR_033294.2(SNORD118):n.128_129inv

Genes: SNORD118 (small nucleolar RNA, C/D box 118; minus strand), TMEM107 (transmembrane protein 107; minus strand). Cytogenetic location: 17p13.1.
Variant type: Inversion.
Molecular consequence: 3 prime UTR variant (on NM_183065.4). On other transcripts: non-coding transcript variant (2).
Genome position: GRCh38 VCF-style: chr17-8173460-CA-TG. GRCh37 (hg19) VCF-style: chr17-8076778-CA-TG.
Other names: c.*742_*743inv (NM_001351278.2, NM_001351279.2, NM_001351280.2 and 2 more transcripts).
Identifiers: ClinVar variation 1921841 (VCV001921841.3), ClinGen allele CA2580094913.

ClinVar aggregate classification (germline): Uncertain significance (1 of 4 stars; one submission).

Submission:

Labcorp Genetics (formerly Invitae), Labcorp
Classification: Uncertain significance. Last evaluated: 2022-02-14. Review status: criteria provided, single submitter. Criteria: Invitae Variant Classification Sherloc (09022015). Collection method: clinical testing. Allele origin: germline.
Comment: This variant occurs in the SNORD118 gene, which encodes an RNA molecule that does not result in a protein product. In summary, the available evidence is currently insufficient to determine the role of this variant in disease. Therefore, it has been classified as a Variant of Uncertain Significance. Experimental studies and prediction algorithms are not available or were not evaluated, and the functional significance of this variant is currently unknown. This variant has not been reported in the literature in individuals affected with SNORD118-related conditions. Information on the frequency of this variant in the gnomAD database is not available, as this variant may be reported differently in the database.